The following is an entry in ClinVar:

NM_001077268.2(ZFYVE19):c.116_117insTGGGGCGGGG (p.Gln43fs)

Gene: ZFYVE19 (zinc finger FYVE-type containing 19; plus strand). Cytogenetic location: 15q15.1.
Variant type: Microsatellite.
Coding change: c.116_117insTGGGGCGGGG on transcript NM_001077268.2 (MANE Select); coding-DNA positions 116 to 117, TGGGGCGGGG inserted.
Protein change: p.Gln43fs; shifts the reading frame from glutamine 43.
Molecular consequence: frameshift variant. On other transcripts: intron variant (2).
Genome position: GRCh38 VCF-style: chr15-40807701-T-TGGGGTGGGGC. GRCh37 (hg19) VCF-style: chr15-41099899-T-TGGGGTGGGGC.
Other names: c.116_117insTGGGGCGGGG, p.Gln43fs (NM_001258420.2); c.-247+34_-247+35insTGGGGCGGGG (NM_001258421.2); c.125+292_125+293insTGGGGCGGGG (NM_032850.5); short protein forms Q43fs.
Identifiers: ClinVar variation 4979289 (VCV004979289.1).
Genomic context (GRCh38, chr15:40,807,701, plus strand): 5'-TGCAGGAGAGCGTCCGGATTCCCTGCTCTAGGTCGCGGCGGGACAGTGCCAGTGGGCGTG[T>TGGGGTGGGGC]GGGGCGGGGCAGGGCAGGGAAGGGAAGGGCGGAGCTGGGGTGAGGGTCCAAGGGGCCCAG-3'

ClinVar aggregate classification (germline): Uncertain significance (1 of 4 stars; one submission).

Conditions:
ZFYVE19-related disorder. Also called: ZFYVE19-related condition.

Submission:

PreventionGenetics, part of Exact Sciences
Classification: Uncertain significance for ZFYVE19-related condition. Last evaluated: 2026-02-03. Review status: criteria provided, single submitter. Criteria: ACMG Guidelines, 2015. Collection method: clinical testing. Allele origin: germline.
Comment: The ZFYVE19 c.116_117insTGGGGCGGGG variant is predicted to result in a frameshift and premature protein termination (p.Gln43Argfs*13). To our knowledge, this variant has not been reported in the literature. This variant is reported in 0.0044% of alleles in individuals of African descent in gnomAD. Truncating variants in this region are frequently reported in gnomAD (chr15:41099899-41099919). At this time, the clinical significance of this variant is uncertain due to the absence of conclusive functional and genetic evidence.